The following is an entry in ClinVar:

NM_000443.4(ABCB4):c.1349A>G (p.Glu450Gly)

Gene: ABCB4 (ATP binding cassette subfamily B member 4; minus strand). Cytogenetic location: 7q21.12.
Variant type: single nucleotide variant.
Coding change: c.1349A>G on transcript NM_000443.4 (MANE Select); coding-DNA position 1349, A replaced by G.
Protein change: p.Glu450Gly; replaces glutamic acid 450 with glycine.
Molecular consequence: missense variant.
Genome position (GRCh38, 1-based): chr7:87,443,326, T>C on the plus strand (A>G on the coding strand, the complement: ABCB4 is on the minus strand). VCF-style: chr7-87443326-T-C. GRCh37 (hg19) VCF-style: chr7-87072642-T-C.
Other names: c.1349A>G, p.Glu450Gly (NM_018849.3, NM_018850.3); short protein forms E450G.
Identifiers: ClinVar variation 4846434 (VCV004846434.1).
Genomic context (GRCh38, chr7:87,443,326, plus strand): 5'-GGCCAATTTGTATCCAGCTTCCCACTCTGGAAAGCTTGGTTCTTCCCACTTACTGTGCCC[T>C]CATCAGGGTCATAGAGCCTCTGTATCAGCTGGACCGTTGTGCTCTTCCCACAGCCACTAC-3'
Protein context (NP_000434.1, residues 440-460): QLIQRLYDPD[Glu450Gly]GTINIDGQDI

ClinVar aggregate classification (germline): Uncertain significance (1 of 4 stars; one submission).

Conditions:
Familial intrahepatic cholestasis. Identifiers: Orphanet 284385, MedGen CN296401, MONDO:0017290.
Low phospholipid associated cholelithiasis (GBD1). Also called: Gallbladder disease 1; Gallstone cholecystitis. Identifiers: Orphanet 69663, MedGen C2609268, MONDO:0010939, OMIM 600803.

gnomAD v4.1: 1 of 1,614,080 alleles (0.000062%); highest among the groups gnomAD compares: Non-Finnish European, 0.000085%; no homozygotes.

Submission:

Genomenon, Inc
Classification: Uncertain significance for Familial intrahepatic cholestasis; Low phospholipid associated cholelithiasis. Last evaluated: 2026-04-14. Review status: criteria provided, single submitter. Criteria: Genomenon Sequence Variant Interpretation Standards - Updated. Collection method: curation. Allele origin: germline. Affected: no.
Comment: ABCB4 p.Glu450Gly (c.1349A>G) is a missense variant that changes the amino acid at residue 450 from Glutamic acid to Glycine. This variant has been reported in the published literature (PMID:16763017). It is absent or not present at a significant frequency in gnomAD. In conclusion, we classify ABCB4 p.Glu450Gly (c.1349A>G) as a variant of uncertain significance.

Literature cited by the submitters: PubMed 16763017.